The following is an entry in ClinVar:

ClinVar aggregate classification (germline): Uncertain significance (1 of 4 stars; one submission).

gnomAD v4.1: 1 of 1,610,442 alleles (0.000062%); no homozygotes.

Submission:

Labcorp Genetics (formerly Invitae), Labcorp
Classification: Uncertain significance. Last evaluated: 2022-10-25. Review status: criteria provided, single submitter. Criteria: Invitae Variant Classification Sherloc (09022015). Collection method: clinical testing. Allele origin: germline.
Comment: This variant has not been reported in the literature in individuals affected with NLRP1-related conditions. This variant is not present in population databases (gnomAD no frequency). This sequence change creates a premature translational stop signal (p.Cys904*) in the NLRP1 gene. It is expected to result in an absent or disrupted protein product. However, the current clinical and genetic evidence is not sufficient to establish whether loss-of-function variants in NLRP1 cause disease. In summary, the available evidence is currently insufficient to determine the role of this variant in disease. Therefore, it has been classified as a Variant of Uncertain Significance.

NM_033004.4(NLRP1):c.2712T>A (p.Cys904Ter)

Gene: NLRP1 (NLR family pyrin domain containing 1; minus strand). Cytogenetic location: 17p13.2.
Variant type: single nucleotide variant.
Coding change: c.2712T>A on transcript NM_033004.4 (MANE Select); coding-DNA position 2712, T replaced by A.
Protein change: p.Cys904Ter; replaces cysteine 904 with a stop codon.
Molecular consequence: nonsense.
Genome position (GRCh38, 1-based): chr17:5,539,573, A>T on the plus strand (T>A on the coding strand, the complement: NLRP1 is on the minus strand). VCF-style: chr17-5539573-A-T. GRCh37 (hg19) VCF-style: chr17-5442893-A-T.
Other names: c.2712T>A, p.Cys904Ter (NM_001033053.3, NM_014922.5, NM_033006.4 and 1 more transcripts); short protein forms C904*.
Identifiers: ClinVar variation 2035856 (VCV002035856.4), dbSNP rs201871866, ClinGen allele CA397377517.